The following is an entry in ClinVar:

NM_000285.4(PEPD):c.879C>T (p.Pro293=)

Gene: PEPD (peptidase D; minus strand). Cytogenetic location: 19q13.11.
Variant type: single nucleotide variant.
Coding change: c.879C>T on transcript NM_000285.4 (MANE Select); coding-DNA position 879, C replaced by T.
Protein change: p.Pro293=; no amino-acid change (proline 293 retained).
Molecular consequence: synonymous variant.
Genome position (GRCh38, 1-based): chr19:33,401,809, G>A on the plus strand (C>T on the coding strand, the complement: PEPD is on the minus strand). VCF-style: chr19-33401809-G-A. GRCh37 (hg19) VCF-style: chr19-33892715-G-A.
Other names: c.756C>T, p.Pro252= (NM_001166056.2); c.687C>T, p.Pro229= (NM_001166057.2).
Identifiers: ClinVar variation 1592278 (VCV001592278.33), dbSNP rs773934450, ClinGen allele CA9364088.

ClinVar aggregate classification (germline): Likely benign. Review status: criteria provided, multiple submitters, no conflicts (2 of 4 stars). 3 submissions from 3 submitters: Likely benign (3). Last evaluated 2025-09-04.

Allele frequency attached by ClinVar (database versions not stated): ExAC 0.00005; gnomAD exomes 0.00006 and 0.00007; TOPMed 0.00006; gnomAD 0.00008.
gnomAD v4.1: 102 of 1,613,052 alleles (0.0063%); highest among the groups gnomAD compares: African/African-American, 0.012%; no homozygotes.

Submissions (3):

Labcorp Genetics (formerly Invitae), Labcorp
Classification: Likely benign. Last evaluated: 2025-09-04. Review status: criteria provided, single submitter. Criteria: Invitae Variant Classification Sherloc (09022015). Collection method: clinical testing. Allele origin: germline.

Blueprint Genetics
Classification: Likely benign. Last evaluated: 2024-09-14. Review status: criteria provided, single submitter. Criteria: ACMG Guidelines, 2015. Collection method: clinical testing. Allele origin: germline.

CeGaT Center for Human Genetics Tuebingen
Classification: Likely benign. Last evaluated: 2022-12-01. Review status: criteria provided, single submitter. Criteria: CeGaT Center For Human Genetics Tuebingen Variant Classification Criteria Version 2. Collection method: clinical testing. Allele origin: germline. Affected: yes. Observed: 2 variant alleles.
Comment: PEPD: BP4, BP7